The following is an entry in ClinVar:

ClinVar aggregate classification (germline): Pathogenic (1 of 4 stars; one submission).

Conditions:
Hereditary cancer-predisposing syndrome. Also called: Tumor predisposition; Hereditary neoplastic syndrome; Hereditary Cancer Syndrome; Neoplastic Syndromes, Hereditary. Identifiers: Orphanet 140162, MedGen C0027672, MeSH D009386, MONDO:0015356.

Submission:

Ambry Genetics
Classification: Pathogenic for Hereditary cancer-predisposing syndrome. Last evaluated: 2025-06-02. Review status: criteria provided, single submitter. Criteria: Ambry Variant Classification Scheme 2023. Collection method: clinical testing. Allele origin: germline.
Comment: The p.C154* pathogenic mutation (also known as c.462T>A), located in coding exon 4 of the POT1 gene, results from a T to A substitution at nucleotide position 462. This changes the amino acid from a cysteine to a stop codon within coding exon 4. This variant is considered to be rare based on population cohorts in the Genome Aggregation Database (gnomAD). This alteration is expected to result in loss of function by premature protein truncation or nonsense-mediated mRNA decay. As such, this alteration is interpreted as a disease-causing mutation.

NM_015450.3(POT1):c.462T>A (p.Cys154Ter)

Gene: POT1 (protection of telomeres 1; minus strand). Cytogenetic location: 7q31.33.
Variant type: single nucleotide variant.
Coding change: c.462T>A on transcript NM_015450.3 (MANE Select); coding-DNA position 462, T replaced by A.
Protein change: p.Cys154Ter; replaces cysteine 154 with a stop codon.
Molecular consequence: nonsense. On other transcripts: non-coding transcript variant (3).
Genome position (GRCh38, 1-based): chr7:124,863,434, A>T on the plus strand (T>A on the coding strand, the complement: POT1 is on the minus strand). VCF-style: chr7-124863434-A-T. GRCh37 (hg19) VCF-style: chr7-124503488-A-T.
Other names: c.69T>A, p.Cys23Ter (NM_001042594.2); short protein forms C154*, C23*.
Identifiers: ClinVar variation 3936299 (VCV003936299.1).